The following is an entry in ClinVar:

NM_002168.4(IDH2):c.805A>G (p.Ile269Val)

Gene: IDH2 (isocitrate dehydrogenase (NADP(+)) 2; minus strand). Cytogenetic location: 15q26.1.
Variant type: single nucleotide variant.
Coding change: c.805A>G on transcript NM_002168.4 (MANE Select); coding-DNA position 805, A replaced by G.
Protein change: p.Ile269Val; replaces isoleucine 269 with valine.
Molecular consequence: missense variant.
Genome position (GRCh38, 1-based): chr15:90,087,449, T>C on the plus strand (A>G on the coding strand, the complement: IDH2 is on the minus strand). VCF-style: chr15-90087449-T-C. GRCh37 (hg19) VCF-style: chr15-90630681-T-C.
Other names: c.649A>G, p.Ile217Val (NM_001289910.1); c.415A>G, p.Ile139Val (NM_001290114.2); short protein forms I139V, I217V, I269V.
Identifiers: ClinVar variation 1308347 (VCV001308347.3), dbSNP rs914590416, ClinGen allele CA274622096.
Genomic context (GRCh38, chr15:90,087,449, plus strand): 5'-GCATGGGGGGAAGGGAAGAAAGGCCACAGAGTACATGGATGAGGCTTTACTTGTCAAAGA[T>C]CTCCTGGAAGATGTCCTTGAAACGCCCATCGTAGGCTTTCAGTATGGTGTTCTTGGTGCT-3'
Protein context (NP_002159.2, residues 259-279): DGRFKDIFQE[Ile269Val]FDKHYKTDFD

ClinVar aggregate classification (germline): Uncertain significance (1 of 4 stars; one submission).

Allele frequency attached by ClinVar (database versions not stated): TOPMed 0.00001.

Submission:

GeneDx
Classification: Uncertain significance. Last evaluated: 2025-12-24. Review status: criteria provided, single submitter. Criteria: GeneDx Variant Classification Process June 2021. Collection method: clinical testing. Allele origin: germline. Affected: yes.
Comment: Not observed at significant frequency in large population cohorts (gnomAD); In silico analysis suggests that this missense variant does not alter protein structure/function, but splice predictors indicate that the variant may lead to abnormal gene splicing; Has not been previously published as pathogenic or benign to our knowledge